The following is an entry in ClinVar:

ClinVar aggregate classification (germline): Uncertain significance (1 of 4 stars; one submission).

Submission:

Women's Health and Genetics/Laboratory Corporation of America, LabCorp
Classification: Uncertain significance. Last evaluated: 2026-05-07. Review status: criteria provided, single submitter. Criteria: LabCorp Variant Classification Summary - May 2015. Collection method: clinical testing. Allele origin: germline.
Comment: Variant summary: CUL4B c.2408A>G (p.Glu803Gly) results in a non-conservative amino acid change in the encoded protein sequence. Algorithms developed to predict the effect of missense changes on protein structure and function are either unavailable or do not agree on the potential impact of this missense change. The variant was absent in 182989 control chromosomes. The available data on variant occurrences in the general population are insufficient to allow any conclusion about variant significance. To our knowledge, no occurrence of c.2408A>G in individuals affected with CUL4B-related conditions and no experimental evidence demonstrating its impact on protein function have been reported. No submitters have cited clinical-significance assessments for this variant to ClinVar. Based on the evidence outlined above, the variant was classified as uncertain significance.

NM_001079872.2(CUL4B):c.2354A>G (p.Glu785Gly)

Gene: CUL4B (cullin 4B; minus strand). Cytogenetic location: Xq24.
Variant type: single nucleotide variant.
Coding change: c.2354A>G on transcript NM_001079872.2 (MANE Select); coding-DNA position 2354, A replaced by G.
Protein change: p.Glu785Gly; replaces glutamic acid 785 with glycine.
Molecular consequence: missense variant.
Genome position (GRCh38, 1-based): chrX:120,532,507, T>C on the plus strand (A>G on the coding strand, the complement: CUL4B is on the minus strand). VCF-style: chrX-120532507-T-C. GRCh37 (hg19) VCF-style: chrX-119666362-T-C.
Other names: c.2369A>G, p.Glu790Gly (NM_001330624.2); c.1820A>G, p.Glu607Gly (NM_001369145.1); c.2408A>G, p.Glu803Gly (NM_003588.4); short protein forms E607G, E785G, E790G, E803G.
Identifiers: ClinVar variation 4853500 (VCV004853500.1).
Genomic context (GRCh38, chrX:120,532,507, plus strand): 5'-ATCTTTATCCTGAAAAGTTTATGTTTGAAATCATCATTACAAATGAACTTGTCACCATCT[T>C]CAATGTCTTTGCCCTTTGGATTTTTCGCCAGAACTCTAGCTTTGCCACAGGCTAATGACT-3'
Protein context (NP_001073341.1, residues 775-795): LAKNPKGKDI[Glu785Gly]DGDKFICNDD